The following is an entry in ClinVar:

NM_182746.3(MCM4):c.565A>C (p.Thr189Pro)

Gene: MCM4 (minichromosome maintenance complex component 4; plus strand). Cytogenetic location: 8q11.21.
Variant type: single nucleotide variant.
Coding change: c.565A>C on transcript NM_182746.3 (MANE Select); coding-DNA position 565, A replaced by C.
Protein change: p.Thr189Pro; replaces threonine 189 with proline.
Molecular consequence: missense variant.
Genome position (GRCh38, 1-based): chr8:47,962,827, A>C. VCF-style: chr8-47962827-A-C. GRCh37 (hg19) VCF-style: chr8-48875387-A-C.
Other names: c.565A>C, p.Thr189Pro (NM_005914.4); c.565A>C (NM_005914.3); short protein forms T189P.
Identifiers: ClinVar variation 1502456 (VCV001502456.5), dbSNP rs145417336, ClinGen allele CA4742344.
Genomic context (GRCh38, chr8:47,962,827, plus strand): 5'-TTTCTTCAGCGTTTTATTGACCCTCTGGCTAAAGAAGAAGAAAATGTTGGCATAGATATT[A>C]CTGAACCTCTATACATGCAACGACTTGGGGAGGTAATCAAATACTCTTTAAATTCAAGTT-3'
Protein context (NP_877423.1, residues 179-199): KEEENVGIDI[Thr189Pro]EPLYMQRLGE

ClinVar aggregate classification (germline): Uncertain significance. Review status: criteria provided, multiple submitters, no conflicts (2 of 4 stars). 2 submissions from 2 submitters: Uncertain significance (2). Last evaluated 2024-10-24.

Allele frequency attached by ClinVar (database versions not stated): gnomAD exomes 0.00001 and 0.00004; ExAC 0.00003; TOPMed 0.00014; 1000 Genomes Project 0.00020; ESP Exome Variant Server 0.00023; 1000 Genomes Project 30x 0.00031.

Submissions (2):

Labcorp Genetics (formerly Invitae), Labcorp
Classification: Uncertain significance. Last evaluated: 2024-10-24. Review status: criteria provided, single submitter. Criteria: Invitae Variant Classification Sherloc (09022015). Collection method: clinical testing. Allele origin: germline.
Comment: This sequence change replaces threonine, which is neutral and polar, with proline, which is neutral and non-polar, at codon 189 of the MCM4 protein (p.Thr189Pro). This variant is present in population databases (rs145417336, gnomAD 0.05%). This variant has not been reported in the literature in individuals affected with MCM4-related conditions. ClinVar contains an entry for this variant (Variation ID: 1502456). Invitae Evidence Modeling of protein sequence and biophysical properties (such as structural, functional, and spatial information, amino acid conservation, physicochemical variation, residue mobility, and thermodynamic stability) indicates that this missense variant is not expected to disrupt MCM4 protein function with a negative predictive value of 80%. In summary, the available evidence is currently insufficient to determine the role of this variant in disease. Therefore, it has been classified as a Variant of Uncertain Significance.

Ambry Genetics
Classification: Uncertain significance. Last evaluated: 2024-01-19. Review status: criteria provided, single submitter. Criteria: Ambry Variant Classification Scheme 2023. Collection method: clinical testing. Allele origin: germline.